The following is an entry in ClinVar:

ClinVar aggregate classification (germline): Likely benign. Review status: criteria provided, multiple submitters, no conflicts (2 of 4 stars). 4 submissions from 4 submitters: Likely benign (3). 1 of the submissions does not count toward it. Last evaluated 2025-11-26.

Conditions:
HERC1-related disorder. Also called: HERC1-related condition.

Allele frequency attached by ClinVar (database versions not stated): gnomAD 0.00001; ExAC 0.00003.
gnomAD v4.1: 25 of 1,612,020 alleles (0.0016%); highest among the groups gnomAD compares: Middle Eastern, 0.016%; no homozygotes.

Submissions (4):

Labcorp Genetics (formerly Invitae), Labcorp
Classification: Likely benign. Last evaluated: 2025-11-26. Review status: criteria provided, single submitter. Criteria: Invitae Variant Classification Sherloc (09022015). Collection method: clinical testing. Allele origin: germline.

Women's Health and Genetics/Laboratory Corporation of America, LabCorp
Classification: Likely benign. Last evaluated: 2025-07-07. Review status: criteria provided, single submitter. Criteria: LabCorp Variant Classification Summary - May 2015. Collection method: clinical testing. Allele origin: germline.

CeGaT Center for Human Genetics Tuebingen
Classification: Likely benign. Last evaluated: 2023-09-01. Review status: criteria provided, single submitter. Criteria: CeGaT Center For Human Genetics Tuebingen Variant Classification Criteria Version 2. Collection method: clinical testing. Allele origin: germline. Affected: yes. Observed: 2 variant alleles.
Comment: HERC1: BP4, BP7

PreventionGenetics, part of Exact Sciences
Classification: Likely benign for HERC1-related condition. Last evaluated: 2019-08-09. Review status: no assertion criteria provided. Collection method: clinical testing. Allele origin: germline. Not counted in ClinVar's aggregate classification.
Comment: This variant is classified as likely benign based on ACMG/AMP sequence variant interpretation guidelines (Richards et al. 2015 PMID: 25741868, with internal and published modifications).

NM_003922.4(HERC1):c.9579G>A (p.Ala3193=)

Gene: HERC1 (HECT and RLD domain containing E3 ubiquitin protein ligase family member 1; minus strand). Cytogenetic location: 15q22.31.
Variant type: single nucleotide variant.
Coding change: c.9579G>A on transcript NM_003922.4 (MANE Select); coding-DNA position 9579, G replaced by A.
Protein change: p.Ala3193=; no amino-acid change (alanine 3193 retained).
Molecular consequence: synonymous variant.
Genome position (GRCh38, 1-based): chr15:63,658,564, C>T on the plus strand (G>A on the coding strand, the complement: HERC1 is on the minus strand). VCF-style: chr15-63658564-C-T. GRCh37 (hg19) VCF-style: chr15-63950763-C-T.
Other names: c.9579G>A (NM_003922.3).
Identifiers: ClinVar variation 2645431 (VCV002645431.27), dbSNP rs776848656, ClinGen allele CA7604686.